The following is an entry in ClinVar:

NM_172364.5(CACNA2D4):c.2338G>A (p.Asp780Asn)

Gene: CACNA2D4 (calcium voltage-gated channel auxiliary subunit alpha2delta 4; minus strand). Cytogenetic location: 12p13.33.
Variant type: single nucleotide variant.
Coding change: c.2338G>A on transcript NM_172364.5 (MANE Select); coding-DNA position 2338, G replaced by A.
Protein change: p.Asp780Asn; replaces aspartic acid 780 with asparagine.
Molecular consequence: missense variant.
Genome position (GRCh38, 1-based): chr12:1,846,598, C>T on the plus strand (G>A on the coding strand, the complement: CACNA2D4 is on the minus strand). VCF-style: chr12-1846598-C-T. GRCh37 (hg19) VCF-style: chr12-1955764-C-T.
Other names: c.2338G>A (NM_172364.4); short protein forms D780N.
Identifiers: ClinVar variation 1160747 (VCV001160747.9), dbSNP rs148970681, ClinGen allele CA6386742.
Genomic context (GRCh38, chr12:1,846,598, plus strand): 5'-TCTGGCCCTCTCTGCCCTGCAGGGATTGCCCTCCCGAGGTGGCCGGCCCAACCCACCTGT[C>T]GGAGACCTTCTCGGAGCCCACGAACAAGCTGCTTCTCAGGAGGCCAGCCCGGGTGCCCAG-3'
Protein context (NP_758952.4, residues 770-790): SLFVGSEKVS[Asp780Asn]RKFLTPEDEA

ClinVar aggregate classification (germline): Conflicting classifications of pathogenicity. Review status: criteria provided, conflicting classifications (1 of 4 stars). 3 submissions from 3 submitters: Uncertain significance (1); Likely benign (2). Last evaluated 2025-12-25.

Allele frequency attached by ClinVar (database versions not stated): gnomAD exomes 0.00015 and 0.00032; ExAC 0.00089; TOPMed 0.00133; ESP Exome Variant Server 0.00138; gnomAD 0.00141 and 0.00150; 1000 Genomes Project 0.00220; 1000 Genomes Project 30x 0.00234.
gnomAD v4.1: 438 of 1,593,826 alleles (0.027%); highest among the groups gnomAD compares: African/African-American, 0.5%; no homozygotes.

Submissions (3):

Labcorp Genetics (formerly Invitae), Labcorp
Classification: Likely benign. Last evaluated: 2025-12-25. Review status: criteria provided, single submitter. Criteria: Invitae Variant Classification Sherloc (09022015). Collection method: clinical testing. Allele origin: germline.

Blueprint Genetics
Classification: Likely benign. Last evaluated: 2024-10-16. Review status: criteria provided, single submitter. Criteria: ACMG Guidelines, 2015. Collection method: clinical testing. Allele origin: germline.

GeneDx
Classification: Uncertain significance. Last evaluated: 2024-06-28. Review status: criteria provided, single submitter. Criteria: GeneDx Variant Classification Process June 2021. Collection method: clinical testing. Allele origin: germline. Affected: yes.
Comment: In silico analysis indicates that this missense variant does not alter protein structure/function; Has not been previously published as pathogenic or benign to our knowledge